The following is an entry in ClinVar:

NM_015041.3(CLUAP1):c.1092+3A>G

Gene: CLUAP1 (clusterin associated protein 1; plus strand). Cytogenetic location: 16p13.3.
Variant type: single nucleotide variant.
Coding change: c.1092+3A>G on transcript NM_015041.3 (MANE Select); 3 bases into the intron after coding-DNA position 1092, A replaced by G.
Molecular consequence: intron variant.
Genome position (GRCh38, 1-based): chr16:3,532,844, A>G. VCF-style: chr16-3532844-A-G. GRCh37 (hg19) VCF-style: chr16-3582844-A-G.
Other names: c.1092+3A>G (NM_001330454.2); c.594+3A>G (NM_024793.3).
Identifiers: ClinVar variation 3727676 (VCV003727676.2).

ClinVar aggregate classification (germline): Uncertain significance (1 of 4 stars; one submission).

Submission:

Labcorp Genetics (formerly Invitae), Labcorp
Classification: Uncertain significance. Last evaluated: 2024-12-19. Review status: criteria provided, single submitter. Criteria: Invitae Variant Classification Sherloc (09022015). Collection method: clinical testing. Allele origin: germline.
Comment: This sequence change falls in intron 11 of the CLUAP1 gene. It does not directly change the encoded amino acid sequence of the CLUAP1 protein. It affects a nucleotide within the consensus splice site. This variant is not present in population databases (gnomAD no frequency). This variant has not been reported in the literature in individuals affected with CLUAP1-related conditions. Variants that disrupt the consensus splice site are a relatively common cause of aberrant splicing (PMID: 17576681, 9536098). Algorithms developed to predict the effect of sequence changes on RNA splicing suggest that this variant is not likely to affect RNA splicing. In summary, the available evidence is currently insufficient to determine the role of this variant in disease. Therefore, it has been classified as a Variant of Uncertain Significance.

Literature cited by the submitters: PubMed 17576681; PubMed 9536098.